The following is an entry in ClinVar:

NM_001754.5(RUNX1):c.519C>G (p.Phe173Leu)

Genes: RUNX1 (RUNX family transcription factor 1; minus strand), RUNX1-AS1 (RUNX1 antisense RNA 1; plus strand). Cytogenetic location: 21q22.12.
Variant type: single nucleotide variant.
Coding change: c.519C>G on transcript NM_001754.5 (MANE Select); coding-DNA position 519, C replaced by G.
Protein change: p.Phe173Leu; replaces phenylalanine 173 with leucine.
Molecular consequence: missense variant.
Genome position (GRCh38, 1-based): chr21:34,859,568, G>C on the plus strand (C>G on the coding strand, the complement: RUNX1 is on the minus strand). VCF-style: chr21-34859568-G-C. GRCh37 (hg19) VCF-style: chr21-36231865-G-C.
Other names: c.438C>G, p.Phe146Leu (NM_001001890.3, NM_001122607.2); short protein forms F146L, F173L.
Identifiers: ClinVar variation 5028581 (VCV005028581.1).

ClinVar aggregate classification (germline): Uncertain significance (1 of 4 stars; one submission).

Conditions:
Inborn genetic diseases. Identifiers: MedGen C0950123, MeSH D030342.

Submission:

Ambry Genetics
Classification: Uncertain significance for Inborn genetic diseases. Last evaluated: 2026-07-07. Review status: criteria provided, single submitter. Criteria: Ambry Variant Classification Scheme 2023. Collection method: clinical testing. Allele origin: germline.
Comment: The p.F173L variant (also known as c.519C>G), located in coding exon 5 of the RUNX1 gene, results from a C to G substitution at nucleotide position 519. The phenylalanine at codon 173 is replaced by leucine, an amino acid with highly similar properties. This amino acid position is conserved. In addition, this alteration is predicted to be deleterious by in silico analysis. Based on the available evidence, the clinical significance of this variant remains unclear.